The following is an entry in ClinVar:

ClinVar aggregate classification (germline): Uncertain significance. Review status: criteria provided, single submitter (1 of 4 stars). 2 submissions from 2 submitters: Uncertain significance (1). 1 of the submissions does not count toward it. Last evaluated 2023-05-23.

Conditions:
Retinitis pigmentosa 66 (RP66). Identifiers: Orphanet 791, MedGen C3715216, MONDO:0014093, OMIM 615233.

Allele frequency attached by ClinVar (database versions not stated): ExAC 0.00001; gnomAD 0.00001; gnomAD exomes 0.00001 and 0.00003; TOPMed 0.00002.

Submissions (2):

Labcorp Genetics (formerly Invitae), Labcorp
Classification: Uncertain significance. Last evaluated: 2023-05-23. Review status: criteria provided, single submitter. Criteria: Invitae Variant Classification Sherloc (09022015). Collection method: clinical testing. Allele origin: germline.
Comment: In summary, the available evidence is currently insufficient to determine the role of this variant in disease. Therefore, it has been classified as a Variant of Uncertain Significance. An algorithm developed to predict the effect of missense changes on protein structure and function (PolyPhen-2) suggests that this variant is likely to be disruptive. ClinVar contains an entry for this variant (Variation ID: 208325). This missense change has been observed in individual(s) with Leber congenital amaurosis and/or other retinal degeneration (PMID: 19074801) (PMID: 19074801). This variant is present in population databases (rs782099994, gnomAD 0.002%). This sequence change replaces threonine, which is neutral and polar, with methionine, which is neutral and non-polar, at codon 1194 of the RBP3 protein (p.Thr1194Met).

ClinVar Staff, National Center for Biotechnology Information (NCBI)
Classification: Uncertain significance for Retinitis pigmentosa 66. Last evaluated: 2013-06-27. Review status: no assertion criteria provided. Collection method: literature only. Allele origin: germline. Affected: yes. Not counted in ClinVar's aggregate classification.

Literature cited by the submitters: PubMed 19074801 (cited by Labcorp Genetics (formerly Invitae), Labcorp and ClinVar Staff, National Center for Biotechnology Information (NCBI)).

NM_002900.3(RBP3):c.3581C>T (p.Thr1194Met)

Gene: RBP3 (retinol binding protein 3; plus strand). Cytogenetic location: 10q11.22.
Variant type: single nucleotide variant.
Coding change: c.3581C>T on transcript NM_002900.3 (MANE Select); coding-DNA position 3581, C replaced by T.
Protein change: p.Thr1194Met; replaces threonine 1194 with methionine.
Molecular consequence: missense variant.
Genome position (GRCh38, 1-based): chr10:47,357,294, C>T. VCF-style: chr10-47357294-C-T. GRCh37 (hg19) VCF-style: chr10-48382068-G-A.
Other names: short protein forms T1194M.
Identifiers: ClinVar variation 208325 (VCV000208325.9), dbSNP rs782099994, ClinGen allele CA350964.